The following is an entry in ClinVar:

NM_003356.4(UCP3):c.41C>T (p.Ala14Val)

Gene: UCP3 (uncoupling protein 3; minus strand). Cytogenetic location: 11q13.4.
Variant type: single nucleotide variant.
Coding change: c.41C>T on transcript NM_003356.4 (MANE Select); coding-DNA position 41, C replaced by T.
Protein change: p.Ala14Val; replaces alanine 14 with valine.
Molecular consequence: missense variant.
Genome position (GRCh38, 1-based): chr11:74,007,002, G>A on the plus strand (C>T on the coding strand, the complement: UCP3 is on the minus strand). VCF-style: chr11-74007002-G-A. GRCh37 (hg19) VCF-style: chr11-73718047-G-A.
Other names: c.41C>T, p.Ala14Val (NM_022803.3); short protein forms A14V.
Identifiers: ClinVar variation 4988305 (VCV004988305.1).

ClinVar aggregate classification (germline): Uncertain significance (1 of 4 stars; one submission).

Conditions:
UCP3-related disorder. Also called: UCP3-related condition.

Submission:

PreventionGenetics, part of Exact Sciences
Classification: Uncertain significance for UCP3-related condition. Last evaluated: 2026-08-23. Review status: criteria provided, single submitter. Criteria: ACMG Guidelines, 2015. Collection method: clinical testing. Allele origin: germline.
Comment: The UCP3 c.41C>T variant is predicted to result in the amino acid substitution p.Ala14Val. To our knowledge, this variant has not been reported in the literature or in a large population database (gnomAD), indicating this variant is rare. At this time, the clinical significance of this variant is uncertain due to the absence of conclusive functional and genetic evidence.